The following is an entry in ClinVar:

NM_000384.3(APOB):c.8141C>T (p.Pro2714Leu)

Gene: APOB (apolipoprotein B; minus strand). Cytogenetic location: 2p24.1.
Variant type: single nucleotide variant.
Coding change: c.8141C>T on transcript NM_000384.3 (MANE Select); coding-DNA position 8141, C replaced by T.
Protein change: p.Pro2714Leu; replaces proline 2714 with leucine.
Molecular consequence: missense variant.
Genome position (GRCh38, 1-based): chr2:21,008,727, G>A on the plus strand (C>T on the coding strand, the complement: APOB is on the minus strand). VCF-style: chr2-21008727-G-A. GRCh37 (hg19) VCF-style: chr2-21231599-G-A.
Other names: short protein forms P2714L.
Identifiers: ClinVar variation 4789284 (VCV004789284.1).

ClinVar aggregate classification (germline): Uncertain significance (1 of 4 stars; one submission).

Conditions:
Familial hypobetalipoproteinemia 1. Also called: APOB-Related Familial Hypobetalipoproteinemia; Hypobetalipoproteinemia, normotriglyceridemic; Acanthocytosis with hypobetalipoproteinemia. Identifiers: MedGen C4551990, MONDO:0014252, OMIM 615558.
Hypercholesterolemia, autosomal dominant, type B (FHCL2). Also called: APOB-Related Familial Hypercholesterolemia, Autosomal Dominant; Familial hypercholesterolemia 2; Familial Hypercholesterolemia Type B; APOLIPOPROTEIN B-100, FAMILIAL DEFECTIVE; APOLIPOPROTEIN B-100, FAMILIAL LIGAND-DEFECTIVE; HYPERCHOLESTEROLEMIA, FAMILIAL, DUE TO LIGAND-DEFECTIVE APOLIPOPROTEIN B. Identifiers: MedGen C1704417, MONDO:0007751, OMIM 144010.

Submission:

Labcorp Genetics (formerly Invitae), Labcorp
Classification: Uncertain significance for Familial hypobetalipoproteinemia 1; Hypercholesterolemia, autosomal dominant, type B. Last evaluated: 2025-12-02. Review status: criteria provided, single submitter. Criteria: Invitae Variant Classification Sherloc (09022015). Collection method: clinical testing. Allele origin: germline.
Comment: This sequence change replaces proline, which is neutral and non-polar, with leucine, which is neutral and non-polar, at codon 2714 of the APOB protein (p.Pro2714Leu). This variant is not present in population databases (gnomAD no frequency). This variant has not been reported in the literature in individuals affected with APOB-related conditions. Invitae Evidence Modeling of protein sequence and biophysical properties (such as structural, functional, and spatial information, amino acid conservation, physicochemical variation, residue mobility, and thermodynamic stability) indicates that this missense variant is not expected to disrupt APOB protein function with a negative predictive value of 95%. In summary, the available evidence is currently insufficient to determine the role of this variant in disease. Therefore, it has been classified as a Variant of Uncertain Significance.